The following is an entry in ClinVar:

NM_014996.4(PLCH1):c.840G>A (p.Lys280=)

Gene: PLCH1 (phospholipase C eta 1; minus strand). Cytogenetic location: 3q25.31.
Variant type: single nucleotide variant.
Coding change: c.840G>A on transcript NM_014996.4 (MANE Select); coding-DNA position 840, G replaced by A.
Protein change: p.Lys280=; no amino-acid change (lysine 280 retained).
Molecular consequence: synonymous variant.
Genome position (GRCh38, 1-based): chr3:155,568,256, C>T on the plus strand (G>A on the coding strand, the complement: PLCH1 is on the minus strand). VCF-style: chr3-155568256-C-T. GRCh37 (hg19) VCF-style: chr3-155286045-C-T.
Other names: c.804G>A, p.Lys268= (NM_001130960.2, NM_001130961.2, NM_001349250.2); c.840G>A, p.Lys280= (NM_001349251.2, NM_001349252.2).
Identifiers: ClinVar variation 4821399 (VCV004821399.4).
Genomic context (GRCh38, chr3:155,568,256, plus strand): 5'-AAGAAATGAGAAATAAAGAATATTGGTTATTTTACCTTCTATGCCAAGAACATTTTTCAC[C>T]TTATTTTCTTCTGAAACTTCAAACTTCTTTATGATGTCAAGACAATAGTCCGTTGTCACA-3'
Protein context (NP_055811.2, residues 270-290): IKKFEVSEEN[Lys280=]VKNVLGIEGF

ClinVar aggregate classification (germline): Likely benign (1 of 4 stars; one submission).

gnomAD v4.1: 703 of 1,477,240 alleles (0.048%); highest among the groups gnomAD compares: South Asian, 0.77%; 11 homozygotes.

Submission:

CeGaT Center for Human Genetics Tuebingen
Classification: Likely benign. Last evaluated: 2026-01-01. Review status: criteria provided, single submitter. Criteria: CeGaT Center For Human Genetics Tuebingen Variant Classification Criteria Version 2. Collection method: clinical testing. Allele origin: germline. Affected: yes. Observed: 1 variant allele.
Comment: PLCH1: BP4, BP7